The following is an entry in ClinVar:

NM_000059.4(BRCA2):c.5986_5987delinsAT (p.Ala1996Ile)

Gene: BRCA2 (BRCA2 DNA repair associated; plus strand). Cytogenetic location: 13q13.1.
Variant type: Indel.
Coding change: c.5986_5987delinsAT on transcript NM_000059.4 (MANE Select); coding-DNA positions 5986 to 5987, GC replaced by AT.
Protein change: p.Ala1996Ile; replaces alanine 1996 with isoleucine.
Molecular consequence: missense variant.
Genome position (GRCh38, 1-based): chr13:32,340,341-32,340,342, GC replaced by AT. VCF-style: chr13-32340341-GC-AT. GRCh37 (hg19) VCF-style: chr13-32914478-GC-AT.
Other names: c.5986_5987delGCinsAT (NM_000059.3); short protein forms A1996I.
Identifiers: ClinVar variation 658084 (VCV000658084.16), dbSNP rs1593907140, ClinGen allele CA915948503.

ClinVar aggregate classification (germline): Conflicting classifications of pathogenicity. Review status: criteria provided, conflicting classifications (1 of 4 stars). 4 submissions from 4 submitters: Uncertain significance (3); Likely benign (1). Last evaluated 2024-10-07.

Conditions:
Hereditary cancer-predisposing syndrome. Also called: Hereditary neoplastic syndrome; Neoplastic Syndromes, Hereditary; Hereditary Cancer Syndrome; Tumor predisposition. Identifiers: Orphanet 140162, MedGen C0027672, MeSH D009386, MONDO:0015356.
Hereditary breast ovarian cancer syndrome. Also called: BRCA1- and BRCA2-Associated Hereditary Breast and Ovarian Cancer; Hereditary breast and ovarian cancer syndrome; Hereditary breast and ovarian cancer syndrome (HBOC); Hereditary breast and/or ovarian cancer syndrome; Breast and ovarian cancer; Hereditary breast and ovarian cancer. Identifiers: Orphanet 145, MedGen C0677776, MeSH D061325, MONDO:0003582. Disease mechanism: loss of function.

Submissions (4):

Ambry Genetics
Classification: Uncertain significance for Hereditary cancer-predisposing syndrome. Last evaluated: 2024-10-07. Review status: criteria provided, single submitter. Criteria: Ambry Variant Classification Scheme 2023. Collection method: clinical testing. Allele origin: germline.
Comment: The c.5986_5987delGCinsAT variant (also known as p.A1996I), located in coding exon 10 of the BRCA2 gene, results from an in-frame deletion of GC and insertion of AT at nucleotide positions 5986 to 5987. This results in the substitution of the alanine residue for an isoleucine residue at codon 1996, an amino acid with similar properties. This amino acid position is well conserved in available vertebrate species. In addition, the in silico prediction for this alteration is inconclusive (Choi Y et al. PLoS ONE. 2012; 7(10):e46688). Based on the available evidence, the clinical significance of this variant remains unclear.

Labcorp Genetics (formerly Invitae), Labcorp
Classification: Uncertain significance for Hereditary breast ovarian cancer syndrome. Last evaluated: 2024-01-31. Review status: criteria provided, single submitter. Criteria: Invitae Variant Classification Sherloc (09022015). Collection method: clinical testing. Allele origin: germline.
Comment: This sequence change replaces alanine, which is neutral and non-polar, with isoleucine, which is neutral and non-polar, at codon 1996 of the BRCA2 protein (p.Ala1996Ile). Information on the frequency of this variant in the gnomAD database is not available, as this variant may be reported differently in the database. This variant has not been reported in the literature in individuals affected with BRCA2-related conditions. ClinVar contains an entry for this variant (Variation ID: 658084). An algorithm developed to predict the effect of missense changes on protein structure and function (PolyPhen-2) suggests that this variant is likely to be disruptive. In summary, the available evidence is currently insufficient to determine the role of this variant in disease. Therefore, it has been classified as a Variant of Uncertain Significance.

University of Washington Department of Laboratory Medicine, University of Washington
Classification: Likely benign for Hereditary cancer-predisposing syndrome. Last evaluated: 2023-03-23. Review status: criteria provided, single submitter. Criteria: Dines et al. (Genet Med. 2020). Collection method: curation. Allele origin: germline.
Comment: Missense variant in a coldspot region where missense variants are very unlikely to be pathogenic (PMID:31911673).

BRCA2 exon 11 coldspot. Reclassification based on statistical prior probability.

Color Diagnostics, LLC DBA Color Health
Classification: Uncertain significance for Hereditary cancer-predisposing syndrome. Last evaluated: 2019-08-15. Review status: criteria provided, single submitter. Criteria: ACMG Guidelines, 2015. Collection method: clinical testing. Allele origin: germline.
Comment: This missense variant replaces alanine with isoleucine at codon 1996 of the BRCA2 protein. Computational prediction tools and conservation analyses are inconclusive regarding the impact of this variant on the protein function. Computational splicing tools suggest that this variant may not impact RNA splicing. To our knowledge, functional assays have not been performed for this variant nor has this variant been reported in individuals affected with hereditary cancer in the literature. This variant has not been identified in the general population by the Genome Aggregation Database (gnomAD). Available evidence is insufficient to determine the role of this variant in disease conclusively. Therefore, this variant is classified as a Variant of Uncertain Significance.